The following is an entry in ClinVar:

NM_025114.4(CEP290):c.2818-50G>C

Gene: CEP290 (centrosomal protein 290; minus strand). Cytogenetic location: 12q21.32.
Variant type: single nucleotide variant.
Coding change: c.2818-50G>C on transcript NM_025114.4 (MANE Select); 50 bases into the intron before coding-DNA position 2818, G replaced by C.
Molecular consequence: intron variant.
Genome position (GRCh38, 1-based): chr12:88,103,061, C>G on the plus strand (G>C on the coding strand, the complement: CEP290 is on the minus strand). VCF-style: chr12-88103061-C-G. GRCh37 (hg19) VCF-style: chr12-88496838-C-G.
Identifiers: ClinVar variation 126253 (VCV000126253.13), dbSNP rs2471532, ClinGen allele CA150902.

ClinVar aggregate classification (germline): Benign. Review status: criteria provided, multiple submitters, no conflicts (2 of 4 stars). 8 submissions from 5 submitters: Benign (7). 1 of the submissions does not count toward it. Last evaluated 2021-07-22.

Conditions:
Meckel syndrome, type 4 (MKS4). Also called: MECKEL-GRUBER SYNDROME, TYPE 4. Identifiers: Orphanet 564, MedGen C1970161, MONDO:0012626, OMIM 611134.
Joubert syndrome 5 (JBTS5). Identifiers: Orphanet 2318, MedGen C1857780, MONDO:0012432, OMIM 610188.
Bardet-Biedl syndrome 14 (BBS14). Identifiers: Orphanet 110, MedGen C2673874, MONDO:0014442, OMIM 615991.
Senior-Loken syndrome 6 (SLSN6). Identifiers: Orphanet 3156, MedGen C1857779, MONDO:0012433, OMIM 610189.

Allele frequency attached by ClinVar (database versions not stated): 1000 Genomes Project 30x 0.75718; TOPMed 0.75936; 1000 Genomes Project 0.76458; gnomAD 0.76931 and 0.77941; ESP Exome Variant Server 0.77267; gnomAD exomes 0.90430.
gnomAD v4.1: 1,152,472 of 1,280,644 alleles (90%); highest among the groups gnomAD compares: East Asian, 95%; 526,839 homozygotes.

Submissions (8):

Genome-Nilou Lab
Classification: Benign for Bardet-Biedl syndrome 14. Last evaluated: 2021-07-22. Review status: criteria provided, single submitter. Criteria: ACMG Guidelines, 2015. Collection method: clinical testing. Allele origin: germline. Affected: no.

Genome-Nilou Lab
Classification: Benign for Joubert syndrome 5. Last evaluated: 2021-07-22. Review status: criteria provided, single submitter. Criteria: ACMG Guidelines, 2015. Collection method: clinical testing. Allele origin: germline. Affected: no.

Genome-Nilou Lab
Classification: Benign for Meckel syndrome, type 4. Last evaluated: 2021-07-22. Review status: criteria provided, single submitter. Criteria: ACMG Guidelines, 2015. Collection method: clinical testing. Allele origin: germline. Affected: no.

Genome-Nilou Lab
Classification: Benign for Senior-Loken syndrome 6. Last evaluated: 2021-07-22. Review status: criteria provided, single submitter. Criteria: ACMG Guidelines, 2015. Collection method: clinical testing. Allele origin: germline. Affected: no.

GeneDx
Classification: Benign. Last evaluated: 2018-06-26. Review status: criteria provided, single submitter. Criteria: GeneDx Variant Classification Process June 2021. Collection method: clinical testing. Allele origin: germline. Affected: yes.

Breakthrough Genomics
Classification: Benign. Review status: criteria provided, single submitter. Criteria: ACMG Guidelines, 2015. Collection method: not provided. Allele origin: germline. Inheritance: Autosomal recessive inheritance. Affected: yes.

PreventionGenetics, part of Exact Sciences
Classification: Benign. Review status: criteria provided, single submitter. Criteria: ACMG Guidelines, 2015. Collection method: clinical testing. Allele origin: germline.

Genetic Services Laboratory, University of Chicago
Classification: Likely benign for AllHighlyPenetrant. Review status: no assertion criteria provided. Collection method: clinical testing. Allele origin: germline. Inheritance: Autosomal recessive inheritance. Observed: 1 variant allele. Not counted in ClinVar's aggregate classification.
Comment: Likely benign based on allele frequency in 1000 Genomes Project or ESP global frequency and its presence in a patient with a rare or unrelated disease phenotype. NOT Sanger confirmed.